The following is an entry in ClinVar:

ClinVar aggregate classification (germline): Uncertain significance (1 of 4 stars; one submission).

Conditions:
ALG8 congenital disorder of glycosylation. Also called: CONGENITAL DISORDER OF GLYCOSYLATION, TYPE Ih; ALG8-CDG; CDG Ih. Identifiers: Orphanet 79325, MedGen C2931002, MONDO:0011969, OMIM 608104.

gnomAD v4.1: 6 of 1,613,824 alleles (0.00037%); highest among the groups gnomAD compares: African/African-American, 0.0013%; no homozygotes.

Submission:

Labcorp Genetics (formerly Invitae), Labcorp
Classification: Uncertain significance for ALG8 congenital disorder of glycosylation. Last evaluated: 2025-11-23. Review status: criteria provided, single submitter. Criteria: Invitae Variant Classification Sherloc (09022015). Collection method: clinical testing. Allele origin: germline.
Comment: This sequence change replaces proline, which is neutral and non-polar, with leucine, which is neutral and non-polar, at codon 271 of the ALG8 protein (p.Pro271Leu). This variant is not present in population databases (gnomAD no frequency). This variant has not been reported in the literature in individuals affected with ALG8-related conditions. Invitae Evidence Modeling of protein sequence and biophysical properties (such as structural, functional, and spatial information, amino acid conservation, physicochemical variation, residue mobility, and thermodynamic stability) indicates that this missense variant is expected to disrupt ALG8 protein function with a positive predictive value of 80%. In summary, the available evidence is currently insufficient to determine the role of this variant in disease. Therefore, it has been classified as a Variant of Uncertain Significance.

NM_024079.5(ALG8):c.812C>T (p.Pro271Leu)

Gene: ALG8 (ALG8 alpha-1,3-glucosyltransferase; minus strand). Cytogenetic location: 11q14.1.
Variant type: single nucleotide variant.
Coding change: c.812C>T on transcript NM_024079.5 (MANE Select); coding-DNA position 812, C replaced by T.
Protein change: p.Pro271Leu; replaces proline 271 with leucine.
Molecular consequence: missense variant. On other transcripts: synonymous variant (1), non-coding transcript variant (2), intron variant (2).
Genome position (GRCh38, 1-based): chr11:78,112,736, G>A on the plus strand (C>T on the coding strand, the complement: ALG8 is on the minus strand). VCF-style: chr11-78112736-G-A. GRCh37 (hg19) VCF-style: chr11-77823782-G-A.
Other names: c.812C>T, p.Pro271Leu (NM_001007027.3, NM_001425221.1, NM_001425222.1 and 8 more transcripts); c.815C>T, p.Pro272Leu (NM_001425219.1); c.797C>T, p.Pro266Leu (NM_001425220.1); c.806C>T, p.Pro269Leu (NM_001425223.1); c.905C>T, p.Pro302Leu (NM_001425224.1); c.659C>T, p.Pro220Leu (NM_001425226.1, NM_001425235.1, NM_001425236.1); c.611C>T, p.Pro204Leu (NM_001425231.1); c.548C>T, p.Pro183Leu (NM_001425234.1, NM_001425239.1); and 5 more; short protein forms P269L, P220L, P99L, P271L, P302L, P86L, P183L, P204L.
Identifiers: ClinVar variation 4738405 (VCV004738405.1).